The following is an entry in ClinVar:

ClinVar aggregate classification (germline): Likely pathogenic (1 of 4 stars; one submission).

Conditions:
Neurodevelopmental disorder with or without anomalies of the brain, eye, or heart (NEDBEH). Identifiers: Orphanet 494344, MedGen C5567477, MONDO:0014857, OMIM 616975.

Submission:

Laboratorio de Genetica e Diagnostico Molecular, Hospital Israelita Albert Einstein
Classification: Likely pathogenic for Neurodevelopmental disorder with or without anomalies of the brain, eye, or heart. Last evaluated: 2023-10-20. Review status: criteria provided, single submitter. Criteria: ACMG Guidelines, 2015. Collection method: clinical testing. Allele origin: germline. Affected: yes.
Comment: ACMG classification criteria: PVS1 strong, PM2 moderate

NM_001042681.2(RERE):c.397-1G>A

Gene: RERE (arginine-glutamic acid dipeptide repeats; minus strand). Cytogenetic location: 1p36.23.
Variant type: single nucleotide variant.
Coding change: c.397-1G>A on transcript NM_001042681.2 (MANE Select); the canonical splice acceptor site of the intron before coding-DNA position 397, G replaced by A.
Molecular consequence: splice acceptor variant.
Genome position (GRCh38, 1-based): chr1:8,614,687, C>T on the plus strand (G>A on the coding strand, the complement: RERE is on the minus strand). VCF-style: chr1-8614687-C-T. GRCh37 (hg19) VCF-style: chr1-8674746-C-T.
Other names: c.397-1G>A (NM_012102.4).
Identifiers: ClinVar variation 4076371 (VCV004076371.1).